The following is an entry in ClinVar:

ClinVar aggregate classification (germline): Pathogenic (1 of 4 stars; one submission).

Conditions:
Joubert syndrome 20 (JBTS20). Identifiers: Orphanet 475, MedGen C3554235, MONDO:0013994, OMIM 614970.
Meckel syndrome, type 11 (MKS11). Identifiers: Orphanet 564, MedGen C3809352, MONDO:0014164, OMIM 615397.

Submission:

Labcorp Genetics (formerly Invitae), Labcorp
Classification: Pathogenic for Joubert syndrome 20; Meckel syndrome, type 11. Last evaluated: 2023-02-01. Review status: criteria provided, single submitter. Criteria: Invitae Variant Classification Sherloc (09022015). Collection method: clinical testing. Allele origin: unknown.
Comment: For these reasons, this variant has been classified as Pathogenic. This variant disrupts a region of the TMEM231 protein in which other variant(s) (p.Pro178Ala) have been determined to be pathogenic (PMID: 25869670, 26489029). This suggests that this is a clinically significant region of the protein, and that variants that disrupt it are likely to be disease-causing. This variant has not been reported in the literature in individuals affected with TMEM231-related conditions. This variant is a gross deletion of the genomic region encompassing exon(s) 2 of the TMEM231 gene. This variant would be expected to be in-frame, preserving the integrity of the reading frame.

Literature cited by the submitters: PubMed 25869670; PubMed 26489029.

NC_000016.9:g.(?_75579704)_(75579872_?)del

Gene: TMEM231 (transmembrane protein 231; minus strand). Cytogenetic location: 16q23.1.
Variant type: Deletion.
Identifiers: ClinVar variation 3243522 (VCV003243522.1).